The following is an entry in ClinVar:

ClinVar aggregate classification (germline): Uncertain significance. Review status: criteria provided, multiple submitters, no conflicts (2 of 4 stars). 2 submissions from 2 submitters: Uncertain significance (2). Last evaluated 2024-10-16.

Conditions:
Inborn genetic diseases. Identifiers: MedGen C0950123, MeSH D030342.
MEGF8-related Carpenter syndrome. Also called: Carpenter syndrome 2. Identifiers: Orphanet 65759, MedGen C3554247, MONDO:0013998, OMIM 614976.

Allele frequency attached by ClinVar (database versions not stated): gnomAD exomes below 0.00001 and 0.00003; gnomAD 0.00002; TOPMed 0.00003.
gnomAD v4.1: 50 of 1,590,458 alleles (0.0031%); highest among the groups gnomAD compares: Non-Finnish European, 0.0043%; no homozygotes.

Submissions (2):

Ambry Genetics
Classification: Uncertain significance for Inborn genetic diseases. Last evaluated: 2024-10-16. Review status: criteria provided, single submitter. Criteria: Ambry Variant Classification Scheme 2023. Collection method: clinical testing. Allele origin: germline.

Baylor Genetics
Classification: Uncertain significance for MEGF8-related Carpenter syndrome. Last evaluated: 2019-10-18. Review status: criteria provided, single submitter. Criteria: ACMG Guidelines, 2015. Collection method: clinical testing. Allele origin: unknown. Affected: yes.
Comment: This variant was determined to be of uncertain significance according to ACMG Guidelines, 2015 [PMID:25741868].

NM_001271938.2(MEGF8):c.7033A>G (p.Ser2345Gly)

Gene: MEGF8 (multiple EGF like domains 8; plus strand). Cytogenetic location: 19q13.2.
Variant type: single nucleotide variant.
Coding change: c.7033A>G on transcript NM_001271938.2 (MANE Select); coding-DNA position 7033, A replaced by G.
Protein change: p.Ser2345Gly; replaces serine 2345 with glycine.
Molecular consequence: missense variant.
Genome position (GRCh38, 1-based): chr19:42,370,728, A>G. VCF-style: chr19-42370728-A-G. GRCh37 (hg19) VCF-style: chr19-42874880-A-G.
Other names: c.6832A>G, p.Ser2278Gly (NM_001410.3); short protein forms S2278G, S2345G.
Identifiers: ClinVar variation 1030395 (VCV001030395.2), dbSNP rs1016429941, ClinGen allele CA308652463.
Genomic context (GRCh38, chr19:42,370,728, plus strand): 5'-CTTTCTATGATCACACTGTCCTTCCTTGGCCAGATTGAAAACTGGGTGACAGAGGGTCCT[A>G]GTGAAGACGAGGCCGTGTGCGTGAACTGCCAGAATAACAGCTATGGGGAGAAATGCGAGA-3'
Protein context (NP_001258867.1, residues 2335-2355): EIENWVTEGP[Ser2345Gly]EDEAVCVNCQ